The following is an entry in ClinVar:

ClinVar aggregate classification (germline): Likely pathogenic (1 of 4 stars; one submission).

Conditions:
Hereditary cancer-predisposing syndrome. Also called: Tumor predisposition; Hereditary neoplastic syndrome; Hereditary Cancer Syndrome; Neoplastic Syndromes, Hereditary. Identifiers: Orphanet 140162, MedGen C0027672, MeSH D009386, MONDO:0015356.

Submission:

Ambry Genetics
Classification: Likely pathogenic for Hereditary cancer-predisposing syndrome. Last evaluated: 2025-06-09. Review status: criteria provided, single submitter. Criteria: Ambry Variant Classification Scheme 2023. Collection method: clinical testing. Allele origin: germline.
Comment: The c.52+2T>A intronic variant results from a T to A substitution two nucleotides after coding exon 1 in the SDHD gene. This nucleotide position is highly conserved in available vertebrate species. In silico splice site analysis predicts that this alteration will weaken the native splice donor site and will result in the creation or strengthening of a novel splice donor site; however, direct evidence is insufficient at this time (Ambry internal data). This variant is considered to be rare based on population cohorts in the Genome Aggregation Database (gnomAD). Alterations that disrupt the canonical splice site are expected to cause aberrant splicing, resulting in an abnormal protein or a transcript that is subject to nonsense-mediated mRNA decay. As such, this alteration is classified as likely pathogenic.

NM_003002.4(SDHD):c.52+2T>A

Genes: SDHD (succinate dehydrogenase complex subunit D; plus strand), LOC126861339 (BRD4-independent group 4 enhancer GRCh37_chr11:111957035-111958234; plus strand). Cytogenetic location: 11q23.1.
Variant type: single nucleotide variant.
Coding change: c.52+2T>A on transcript NM_003002.4 (MANE Select); the canonical splice donor site of the intron after coding-DNA position 52, T replaced by A.
Molecular consequence: splice donor variant.
Genome position (GRCh38, 1-based): chr11:112,086,961, T>A. VCF-style: chr11-112086961-T-A. GRCh37 (hg19) VCF-style: chr11-111957685-T-A.
Other names: c.52+2T>A (NM_001276506.2, NM_001276503.2, NM_001276504.2).
Identifiers: ClinVar variation 3951419 (VCV003951419.1).